The following is an entry in ClinVar:

NM_002282.3(KRT83):c.1100G>A (p.Ser367Asn)

Gene: KRT83 (keratin 83; minus strand). Cytogenetic location: 12q13.13.
Variant type: single nucleotide variant.
Coding change: c.1100G>A on transcript NM_002282.3 (MANE Select); coding-DNA position 1100, G replaced by A.
Protein change: p.Ser367Asn; replaces serine 367 with asparagine.
Molecular consequence: missense variant.
Genome position (GRCh38, 1-based): chr12:52,316,055, C>T on the plus strand (G>A on the coding strand, the complement: KRT83 is on the minus strand). VCF-style: chr12-52316055-C-T. GRCh37 (hg19) VCF-style: chr12-52709839-C-T.
Other names: short protein forms S367N.
Identifiers: ClinVar variation 309501 (VCV000309501.6), dbSNP rs528339841, ClinGen allele CA6577391.

ClinVar aggregate classification (germline): Benign/Likely benign. Review status: criteria provided, multiple submitters, no conflicts (2 of 4 stars). 2 submissions from 2 submitters: Benign (1); Likely benign (1). Last evaluated 2024-06-30.

Conditions:
Monilethrix. Also called: Beaded hair. Identifiers: Orphanet 573, MedGen C0546966, MONDO:0008009, HP:0032470.

Allele frequency attached by ClinVar (database versions not stated): gnomAD 0.00023 and 0.00018; ExAC 0.00015; 1000 Genomes Project 30x 0.00016; 1000 Genomes Project 0.00020; gnomAD exomes 0.00020 and 0.00014; TOPMed 0.00026.
gnomAD v4.1: 323 of 1,613,662 alleles (0.02%); highest among the groups gnomAD compares: Non-Finnish European, 0.025%; no homozygotes.

Submissions (2):

Ambry Genetics
Classification: Likely benign. Last evaluated: 2024-06-30. Review status: criteria provided, single submitter. Criteria: Ambry Variant Classification Scheme 2023. Collection method: clinical testing. Allele origin: germline.

Illumina Laboratory Services, Illumina
Classification: Benign for MONILETHRIX 1. Last evaluated: 2018-01-12. Review status: criteria provided, single submitter. Criteria: ICSL Variant Classification Criteria 13 December 2019. Collection method: clinical testing. Allele origin: germline.
Comment: This variant was observed in the ICSL laboratory as part of a predisposition screen in an ostensibly healthy population. It had not been previously curated by ICSL or reported in the Human Gene Mutation Database (HGMD: prior to June 1st, 2018), and was therefore a candidate for classification through an automated scoring system. Utilizing variant allele frequency, disease prevalence and penetrance estimates, and inheritance mode, an automated score was calculated to assess if this variant is too frequent to cause the disease. Based on the score and internal cut-off values, a variant classified as benign is not then subjected to further curation. The score for this variant resulted in a classification of benign for this disease.